The following is an entry in ClinVar:

NM_001018113.3(FANCB):c.101del (p.Asp34fs)

Gene: FANCB (FA complementation group B; minus strand). Cytogenetic location: Xp22.2.
Variant type: Deletion.
Coding change: c.101del on transcript NM_001018113.3 (MANE Select); coding-DNA position 101, one base deleted (A; older notation c.101delA).
Protein change: p.Asp34fs; shifts the reading frame from aspartic acid 34.
Molecular consequence: frameshift variant. On other transcripts: non-coding transcript variant (1).
Genome position (GRCh38, 1-based): chrX:14,865,410, T deleted on the plus strand (A on the coding strand, the reverse complement: FANCB is on the minus strand). VCF-style (leftmost placement, unchanged base first): chrX-14865409-AT-A. GRCh37 (hg19) VCF-style: chrX-14883531-AT-A.
Other names: c.101del, p.Asp34fs (NM_001324162.2, NM_001410764.1, NM_152633.4); short protein forms D34fs.
Identifiers: ClinVar variation 4085969 (VCV004085969.8).

ClinVar aggregate classification (germline): Pathogenic (1 of 4 stars; one submission).

Submission:

CeGaT Center for Human Genetics Tuebingen
Classification: Pathogenic. Last evaluated: 2025-10-01. Review status: criteria provided, single submitter. Criteria: CeGaT Center For Human Genetics Tuebingen Variant Classification Criteria Version 2. Collection method: clinical testing. Allele origin: germline. Affected: yes. Observed: 4 variant alleles.
Comment: FANCB: PVS1, PM2